The following is an entry in ClinVar:

NM_002528.7(NTHL1):c.68G>T (p.Gly23Val)

Gene: NTHL1 (nth like DNA glycosylase 1; minus strand). Cytogenetic location: 16p13.3.
Variant type: single nucleotide variant.
Coding change: c.68G>T on transcript NM_002528.7 (MANE Select); coding-DNA position 68, G replaced by T.
Protein change: p.Gly23Val; replaces glycine 23 with valine.
Molecular consequence: missense variant. On other transcripts: 5 prime UTR variant (1).
Genome position (GRCh38, 1-based): chr16:2,047,756, C>A on the plus strand (G>T on the coding strand, the complement: NTHL1 is on the minus strand). VCF-style: chr16-2047756-C-A. GRCh37 (hg19) VCF-style: chr16-2097757-C-A.
Other names: c.68G>T, p.Gly23Val (NM_001318193.2); c.-111G>T (NM_001318194.2); short protein forms G23V.
Identifiers: ClinVar variation 846023 (VCV000846023.11), dbSNP rs749963973, ClinGen allele CA027909.

ClinVar aggregate classification (germline): Uncertain significance. Review status: criteria provided, multiple submitters, no conflicts (2 of 4 stars). 2 submissions from 2 submitters: Uncertain significance (2). Last evaluated 2026-01-02.

Conditions:
Hereditary cancer-predisposing syndrome. Also called: Tumor predisposition; Hereditary neoplastic syndrome; Neoplastic Syndromes, Hereditary; Hereditary Cancer Syndrome. Identifiers: Orphanet 140162, MedGen C0027672, MeSH D009386, MONDO:0015356.

Allele frequency attached by ClinVar (database versions not stated): gnomAD exomes 0.00001; ExAC 0.00002.
gnomAD v4.1: 10 of 1,586,446 alleles (0.00063%); highest among the groups gnomAD compares: East Asian, 0.021%; no homozygotes.

Submissions (2):

Labcorp Genetics (formerly Invitae), Labcorp
Classification: Uncertain significance. Last evaluated: 2026-01-02. Review status: criteria provided, single submitter. Criteria: Invitae Variant Classification Sherloc (09022015). Collection method: clinical testing. Allele origin: germline.
Comment: This sequence change replaces glycine, which is neutral and non-polar, with valine, which is neutral and non-polar, at codon 31 of the NTHL1 protein (p.Gly31Val). The frequency data for this variant in the population databases is considered unreliable, as metrics indicate poor data quality at this position in the gnomAD database. This variant has not been reported in the literature in individuals affected with NTHL1-related conditions. ClinVar contains an entry for this variant (Variation ID: 846023). An algorithm developed to predict the effect of missense changes on protein structure and function (PolyPhen-2) suggests that this variant is likely to be tolerated. RNA analysis performed to evaluate the impact of this missense change on mRNA splicing indicates it does not significantly alter splicing (internal data). In summary, the available evidence is currently insufficient to determine the role of this variant in disease. Therefore, it has been classified as a Variant of Uncertain Significance.

Ambry Genetics
Classification: Uncertain significance for Hereditary cancer-predisposing syndrome. Last evaluated: 2024-11-11. Review status: criteria provided, single submitter. Criteria: Ambry Variant Classification Scheme 2023. Collection method: clinical testing. Allele origin: germline.
Comment: The p.G31V variant (also known as c.92G>T), located in coding exon 1 of the NTHL1 gene, results from a G to T substitution at nucleotide position 92. The glycine at codon 31 is replaced by valine, an amino acid with dissimilar properties. This amino acid position is not well conserved in available vertebrate species. In addition, this alteration is predicted to be tolerated by in silico analysis. Based on the available evidence, the clinical significance of this variant remains unclear.